The following is an entry in ClinVar:

NM_005732.4(RAD50):c.3187A>G (p.Asn1063Asp)

Gene: RAD50 (RAD50 double strand break repair protein; plus strand). Cytogenetic location: 5q31.1.
Variant type: single nucleotide variant.
Coding change: c.3187A>G on transcript NM_005732.4 (MANE Select); coding-DNA position 3187, A replaced by G.
Protein change: p.Asn1063Asp; replaces asparagine 1063 with aspartic acid.
Molecular consequence: missense variant.
Genome position (GRCh38, 1-based): chr5:132,618,092, A>G. VCF-style: chr5-132618092-A-G. GRCh37 (hg19) VCF-style: chr5-131953784-A-G.
Other names: short protein forms N1063D.
Identifiers: ClinVar variation 2701757 (VCV002701757.3), dbSNP rs876660257, ClinGen allele CA360964256.
Genomic context (GRCh38, chr5:132,618,092, plus strand): 5'-AAAAAATGGTCCTCATTTGTCATTTTTCTTTTTTACAGTGAACATCAGAAGTTGGAAGAG[A>G]ACATAGACAATATAAAAAGAAATCATAATTTGGCATTAGGGCGACAGAAAGGTTATGAAG-3'
Protein context (NP_005723.2, residues 1053-1073): MKSEHQKLEE[Asn1063Asp]IDNIKRNHNL

ClinVar aggregate classification (germline): Uncertain significance (1 of 4 stars; one submission).

Conditions:
Hereditary cancer-predisposing syndrome. Also called: Hereditary neoplastic syndrome; Neoplastic Syndromes, Hereditary; Hereditary Cancer Syndrome; Tumor predisposition. Identifiers: Orphanet 140162, MedGen C0027672, MeSH D009386, MONDO:0015356.

Submission:

Labcorp Genetics (formerly Invitae), Labcorp
Classification: Uncertain significance for Hereditary cancer-predisposing syndrome. Last evaluated: 2023-12-09. Review status: criteria provided, single submitter. Criteria: Invitae Variant Classification Sherloc (09022015). Collection method: clinical testing. Allele origin: germline.
Comment: This sequence change replaces asparagine, which is neutral and polar, with aspartic acid, which is acidic and polar, at codon 1063 of the RAD50 protein (p.Asn1063Asp). This variant is not present in population databases (gnomAD no frequency). This variant has not been reported in the literature in individuals affected with RAD50-related conditions. Advanced modeling of protein sequence and biophysical properties (such as structural, functional, and spatial information, amino acid conservation, physicochemical variation, residue mobility, and thermodynamic stability) performed at Invitae indicates that this missense variant is not expected to disrupt RAD50 protein function with a negative predictive value of 80%. In summary, the available evidence is currently insufficient to determine the role of this variant in disease. Therefore, it has been classified as a Variant of Uncertain Significance.